The following is an entry in ClinVar:

ClinVar aggregate classification (germline): Likely benign (1 of 4 stars; one submission).

Conditions:
IRF2BPL-related disorder. Also called: IRF2BPL-related condition. Identifiers: MedGen CN381093.

Submission:

PreventionGenetics, part of Exact Sciences
Classification: Likely benign for IRF2BPL-related condition. Last evaluated: 2026-08-21. Review status: criteria provided, single submitter. Criteria: ACMG Guidelines, 2015. Collection method: clinical testing. Allele origin: germline.
Comment: This variant is classified as likely benign based on ACMG/AMP sequence variant interpretation guidelines (Richards et al. 2015 PMID: 25741868, with internal and published modifications).

NM_024496.4(IRF2BPL):c.1827G>T (p.Arg609=)

Gene: IRF2BPL (interferon regulatory factor 2 binding protein like; minus strand). Cytogenetic location: 14q24.3.
Variant type: single nucleotide variant.
Coding change: c.1827G>T on transcript NM_024496.4 (MANE Select); coding-DNA position 1827, G replaced by T.
Protein change: p.Arg609=; no amino-acid change (arginine 609 retained).
Molecular consequence: synonymous variant.
Genome position (GRCh38, 1-based): chr14:77,025,966, C>A on the plus strand (G>T on the coding strand, the complement: IRF2BPL is on the minus strand). VCF-style: chr14-77025966-C-A. GRCh37 (hg19) VCF-style: chr14-77492309-C-A.
Identifiers: ClinVar variation 4996284 (VCV004996284.1).